The following is an entry in ClinVar:

ClinVar aggregate classification (germline): Uncertain significance (1 of 4 stars; one submission).

Conditions:
Renal cell carcinoma. Identifiers: Orphanet 217071, MedGen C0007134, MeSH D002292, MONDO:0005086, HP:0005584.

Submission:

Labcorp Genetics (formerly Invitae), Labcorp
Classification: Uncertain significance for Renal cell carcinoma. Last evaluated: 2020-12-27. Review status: criteria provided, single submitter. Criteria: Invitae Variant Classification Sherloc (09022015). Collection method: clinical testing. Allele origin: germline.
Comment: In summary, the available evidence is currently insufficient to determine the role of this variant in disease. Therefore, it has been classified as a Variant of Uncertain Significance. Algorithms developed to predict the effect of missense changes on protein structure and function are either unavailable or do not agree on the potential impact of this missense change (SIFT: "Deleterious"; PolyPhen-2: "Probably Damaging"; Align-GVGD: "Class C0"). This variant has not been reported in the literature in individuals with MET-related conditions. This variant is not present in population databases (ExAC no frequency). This sequence change replaces aspartic acid with tyrosine at codon 114 of the MET protein (p.Asp114Tyr). The aspartic acid residue is moderately conserved and there is a large physicochemical difference between aspartic acid and tyrosine.

NM_000245.4(MET):c.340G>T (p.Asp114Tyr)

Gene: MET (MET proto-oncogene, receptor tyrosine kinase; plus strand). Cytogenetic location: 7q31.2.
Variant type: single nucleotide variant.
Coding change: c.340G>T on transcript NM_000245.4 (MANE Select); coding-DNA position 340, G replaced by T.
Protein change: p.Asp114Tyr; replaces aspartic acid 114 with tyrosine.
Molecular consequence: missense variant. On other transcripts: intron variant (1).
Genome position (GRCh38, 1-based): chr7:116,699,424, G>T. VCF-style: chr7-116699424-G-T. GRCh37 (hg19) VCF-style: chr7-116339478-G-T.
Other names: c.340G>T, p.Asp114Tyr (NM_001127500.3, NM_001324401.3); c.-91+26847G>T (NM_001324402.2); short protein forms D114Y.
Identifiers: ClinVar variation 1483012 (VCV001483012.8), dbSNP rs2116586335, ClinGen allele CA368968862.